The following is an entry in ClinVar:

NM_014915.3(ANKRD26):c.3451G>A (p.Asp1151Asn)

Gene: ANKRD26 (ankyrin repeat domain 26; minus strand). Cytogenetic location: 10p12.1.
Variant type: single nucleotide variant.
Coding change: c.3451G>A on transcript NM_014915.3 (MANE Select); coding-DNA position 3451, G replaced by A.
Protein change: p.Asp1151Asn; replaces aspartic acid 1151 with asparagine.
Molecular consequence: missense variant.
Genome position (GRCh38, 1-based): chr10:27,034,999, C>T on the plus strand (G>A on the coding strand, the complement: ANKRD26 is on the minus strand). VCF-style: chr10-27034999-C-T. GRCh37 (hg19) VCF-style: chr10-27323928-C-T.
Other names: c.3448G>A, p.Asp1150Asn (NM_001256053.2); short protein forms D1150N, D1151N.
Identifiers: ClinVar variation 2884749 (VCV002884749.4), dbSNP rs1358008290, ClinGen allele CA376362898.

ClinVar aggregate classification (germline): Uncertain significance. Review status: criteria provided, multiple submitters, no conflicts (2 of 4 stars). 2 submissions from 2 submitters: Uncertain significance (2). Last evaluated 2025-01-05.

Conditions:
Inborn genetic diseases. Identifiers: MedGen C0950123, MeSH D030342.

Allele frequency attached by ClinVar (database versions not stated): gnomAD 0.00001; gnomAD exomes 0.00001.
gnomAD v4.1: 8 of 1,613,922 alleles (0.0005%); highest among the groups gnomAD compares: African/African-American, 0.0013%; no homozygotes.

Submissions (2):

Ambry Genetics
Classification: Uncertain significance for Inborn genetic diseases. Last evaluated: 2025-01-05. Review status: criteria provided, single submitter. Criteria: Ambry Variant Classification Scheme 2023. Collection method: clinical testing. Allele origin: germline.
Comment: The p.D1151N variant (also known as c.3451G>A), located in coding exon 24 of the ANKRD26 gene, results from a G to A substitution at nucleotide position 3451. The aspartic acid at codon 1151 is replaced by asparagine, an amino acid with highly similar properties. This amino acid position is conserved. In addition, this alteration is predicted to be tolerated by in silico analysis. Based on the available evidence, the clinical significance of this variant remains unclear.

Labcorp Genetics (formerly Invitae), Labcorp
Classification: Uncertain significance. Last evaluated: 2023-07-20. Review status: criteria provided, single submitter. Criteria: Invitae Variant Classification Sherloc (09022015). Collection method: clinical testing. Allele origin: germline.
Comment: In summary, the available evidence is currently insufficient to determine the role of this variant in disease. Therefore, it has been classified as a Variant of Uncertain Significance. An algorithm developed to predict the effect of missense changes on protein structure and function (PolyPhen-2) suggests that this variant is likely to be disruptive. This variant has not been reported in the literature in individuals affected with ANKRD26-related conditions. This variant is present in population databases (no rsID available, gnomAD 0.004%). This sequence change replaces aspartic acid, which is acidic and polar, with asparagine, which is neutral and polar, at codon 1151 of the ANKRD26 protein (p.Asp1151Asn).